The following is an entry in ClinVar:

NM_016616.5(NME8):c.818+4T>A

Gene: NME8 (NME/NM23 family member 8; plus strand). Cytogenetic location: 7p14.1.
Variant type: single nucleotide variant.
Coding change: c.818+4T>A on transcript NM_016616.5 (MANE Select); 4 bases into the intron after coding-DNA position 818, T replaced by A.
Molecular consequence: intron variant.
Genome position (GRCh38, 1-based): chr7:37,867,902, T>A. VCF-style: chr7-37867902-T-A. GRCh37 (hg19) VCF-style: chr7-37907504-T-A.
Identifiers: ClinVar variation 3226920 (VCV003226920.1), dbSNP rs2483632397, ClinGen allele CA2825001544.

ClinVar aggregate classification (germline): Uncertain significance (1 of 4 stars; one submission).

Conditions:
Primary ciliary dyskinesia. Also called: Ciliary dyskinesia. Identifiers: Orphanet 244, MedGen C0008780, MONDO:0016575, HP:0012265.

Submission:

Ambry Genetics
Classification: Uncertain significance for Primary ciliary dyskinesia. Last evaluated: 2022-11-02. Review status: criteria provided, single submitter. Criteria: Ambry Variant Classification Scheme 2023. Collection method: clinical testing. Allele origin: germline.
Comment: The c.818+4T>A intronic variant results from a T to A substitution 4 nucleotides after coding exon 9 in the NME8 gene. This nucleotide position is highly conserved in available vertebrate species. In silico splice site analysis predicts that this alteration will not have any significant effect on splicing. The evidence for this gene-disease relationship is limited; therefore, the clinical significance of this alteration is unclear.